The following is an entry in ClinVar:

ClinVar aggregate classification (germline): Uncertain significance (1 of 4 stars; one submission).

Submission:

GeneDx
Classification: Uncertain significance. Last evaluated: 2024-12-03. Review status: criteria provided, single submitter. Criteria: GeneDx Variant Classification Process June 2021. Collection method: clinical testing. Allele origin: germline. Affected: yes.
Comment: Not observed at significant frequency in large population cohorts (gnomAD); In silico analysis supports that this missense variant has a deleterious effect on protein structure/function; Has not been previously published as pathogenic or benign to our knowledge

NM_006618.5(KDM5B):c.2021T>G (p.Val674Gly)

Gene: KDM5B (lysine demethylase 5B; minus strand). Cytogenetic location: 1q32.1.
Variant type: single nucleotide variant.
Coding change: c.2021T>G on transcript NM_006618.5 (MANE Select); coding-DNA position 2021, T replaced by G.
Protein change: p.Val674Gly; replaces valine 674 with glycine.
Molecular consequence: missense variant.
Genome position (GRCh38, 1-based): chr1:202,746,319, A>C on the plus strand (T>G on the coding strand, the complement: KDM5B is on the minus strand). VCF-style: chr1-202746319-A-C. GRCh37 (hg19) VCF-style: chr1-202715447-A-C.
Other names: c.2129T>G, p.Val710Gly (NM_001314042.2); c.1886T>G, p.Val629Gly (NM_001347591.2); c.2006T>G, p.Val669Gly (NM_001399817.1); short protein forms V629G, V669G, V674G, V710G.
Identifiers: ClinVar variation 3901299 (VCV003901299.1).